The following is an entry in ClinVar:

ClinVar aggregate classification (germline): Pathogenic (1 of 4 stars; one submission).

Conditions:
Telangiectasia, hereditary hemorrhagic, type 2 (HHT2). Also called: ACVRL1-Related Hereditary Hemorrhagic Telangiectasia; Telangiectasia, hereditary hemorrhagic, type II. Identifiers: Orphanet 774, MedGen C1838163, MONDO:0010880, OMIM 600376. Disease mechanism: loss of function.

Submission:

Labcorp Genetics (formerly Invitae), Labcorp
Classification: Pathogenic for Telangiectasia, hereditary hemorrhagic, type 2. Last evaluated: 2021-03-27. Review status: criteria provided, single submitter. Criteria: Invitae Variant Classification Sherloc (09022015). Collection method: clinical testing. Allele origin: germline.
Comment: For these reasons, this variant has been classified as Pathogenic. This variant has not been reported in the literature in individuals with ACVRL1-related conditions. This variant is not present in population databases (ExAC no frequency). This sequence change creates a premature translational stop signal (p.Leu127Alafs*42) in the ACVRL1 gene. It is expected to result in an absent or disrupted protein product. Loss-of-function variants in ACVRL1 are known to be pathogenic (PMID: 15879500).

Literature cited by the submitters: PubMed 15879500.

NM_000020.3(ACVRL1):c.377dup (p.Leu127fs)

Gene: ACVRL1 (activin A receptor like type 1; plus strand). Cytogenetic location: 12q13.13.
Variant type: Duplication.
Coding change: c.377dup on transcript NM_000020.3 (MANE Select); coding-DNA position 377, one base duplicated (T; older notation c.377dupT).
Protein change: p.Leu127fs; shifts the reading frame from leucine 127.
Molecular consequence: frameshift variant.
Genome position (GRCh38, 1-based): chr12:51,913,622, T duplicated. VCF-style (leftmost placement, unchanged base first): chr12-51913621-G-GT. GRCh37 (hg19) VCF-style: chr12-52307405-G-GT.
Other names: c.377dup, p.Leu127fs (NM_001077401.2); short protein forms L127fs.
Identifiers: ClinVar variation 1456142 (VCV001456142.6), dbSNP rs2139067187, ClinGen allele CA2573148777.
Genomic context (GRCh38, chr12:51,913,621, plus strand): 5'-ACCCAACCTCCTTCGGAGCAGCCGGGAACAGATGGCCAGCTGGCCCTGATCCTGGGCCCC[G>GT]TGCTGGCCTTGCTGGCCCTGGTGGCCCTGGGTGTCCTGGGCCTGTGGCATGTCCGACGGA-3'